The following is an entry in ClinVar:

ClinVar aggregate classification (germline): Uncertain significance (1 of 4 stars; one submission).

Conditions:
Tuberous sclerosis 2 (TSC2). Identifiers: Orphanet 805, MedGen C1860707, MONDO:0013199, OMIM 613254.

Submission:

Labcorp Genetics (formerly Invitae), Labcorp
Classification: Uncertain significance for Tuberous sclerosis 2. Last evaluated: 2023-02-27. Review status: criteria provided, single submitter. Criteria: Invitae Variant Classification Sherloc (09022015). Collection method: clinical testing. Allele origin: germline.
Comment: In summary, the available evidence is currently insufficient to determine the role of this variant in disease. Therefore, it has been classified as a Variant of Uncertain Significance. Advanced modeling of protein sequence and biophysical properties (such as structural, functional, and spatial information, amino acid conservation, physicochemical variation, residue mobility, and thermodynamic stability) performed at Invitae indicates that this missense variant is not expected to disrupt TSC2 protein function. ClinVar contains an entry for this variant (Variation ID: 1039778). This variant has not been reported in the literature in individuals affected with TSC2-related conditions. This variant is not present in population databases (gnomAD no frequency). This sequence change replaces valine, which is neutral and non-polar, with phenylalanine, which is neutral and non-polar, at codon 1362 of the TSC2 protein (p.Val1362Phe).

NM_000548.5(TSC2):c.4084G>T (p.Val1362Phe)

Gene: TSC2 (TSC complex subunit 2; plus strand). Cytogenetic location: 16p13.3.
Variant type: single nucleotide variant.
Coding change: c.4084G>T on transcript NM_000548.5 (MANE Select); coding-DNA position 4084, G replaced by T.
Protein change: p.Val1362Phe; replaces valine 1362 with phenylalanine.
Molecular consequence: missense variant.
Genome position (GRCh38, 1-based): chr16:2,084,306, G>T. VCF-style: chr16-2084306-G-T. GRCh37 (hg19) VCF-style: chr16-2134307-G-T.
Other names: c.3883G>T, p.Val1295Phe (NM_001077183.3); c.4015G>T, p.Val1339Phe (NM_001114382.3); c.3775G>T, p.Val1259Phe (NM_001318827.2); c.3739G>T, p.Val1247Phe (NM_001318829.2); c.3352G>T, p.Val1118Phe (NM_001318831.2); c.3916G>T, p.Val1306Phe (NM_001318832.2); c.3886G>T, p.Val1296Phe (NM_001363528.2); c.3952G>T, p.Val1318Phe (NM_001370404.1); and 1 more; short protein forms V1118F, V1296F, V1259F, V1295F, V1318F, V1339F, V1362F, V1247F.
Identifiers: ClinVar variation 1039778 (VCV001039778.8), dbSNP rs2090489392, ClinGen allele CA394299451.